The following is an entry in ClinVar:

NM_001384732.1(CPLANE1):c.1812T>C (p.His604=)

Gene: CPLANE1 (ciliogenesis and planar polarity effector complex subunit 1; minus strand). Cytogenetic location: 5p13.2.
Variant type: single nucleotide variant.
Coding change: c.1812T>C on transcript NM_001384732.1 (MANE Select); coding-DNA position 1812, T replaced by C.
Protein change: p.His604=; no amino-acid change (histidine 604 retained).
Molecular consequence: synonymous variant.
Genome position (GRCh38, 1-based): chr5:37,226,783, A>G on the plus strand (T>C on the coding strand, the complement: CPLANE1 is on the minus strand). VCF-style: chr5-37226783-A-G. GRCh37 (hg19) VCF-style: chr5-37226885-A-G.
Other names: c.1812T>C, p.His604= (NM_023073.4).
Identifiers: ClinVar variation 4823744 (VCV004823744.4).
Genomic context (GRCh38, chr5:37,226,783, plus strand): 5'-GCTTAAAACAAGATCAAGTTTAGGAAAAGGACATTTTATAAATTGAAGAATGTAAAAAAA[A>G]TGAGTGATACAAACTACTATGTAATTTAACATTAAATTTTTTTCTGTCACAGTTTTTGAA-3'
Protein context (NP_001371661.1, residues 594-614): MLNYIVVCIT[His604=]FFYILQFIKC

ClinVar aggregate classification (germline): Likely benign (1 of 4 stars; one submission).

Submission:

CeGaT Center for Human Genetics Tuebingen
Classification: Likely benign. Last evaluated: 2026-03-01. Review status: criteria provided, single submitter. Criteria: CeGaT Center For Human Genetics Tuebingen Variant Classification Criteria Version 2. Collection method: clinical testing. Allele origin: germline. Affected: yes. Observed: 1 variant allele.
Comment: CPLANE1: PM2:Supporting, BP4, BP7